The following is an entry in ClinVar:

ClinVar aggregate classification (germline): Benign/Likely benign. Review status: criteria provided, multiple submitters, no conflicts (2 of 4 stars). 4 submissions from 4 submitters: Benign (3); Likely benign (1). Last evaluated 2026-01-28.

Conditions:
Spinocerebellar ataxia type 40. Identifiers: Orphanet 423275, MedGen C4518336, MONDO:0014475, OMIM 616053.
Hydrocephalus, nonsyndromic, autosomal recessive 1 (HYC1). Also called: Congenital hydrocephalus 1; Hydrocephalus, nonsyndromic, autosomal recessive. Identifiers: Orphanet 2185, MedGen C3887608, MONDO:0009360, OMIM 236600.

Allele frequency attached by ClinVar (database versions not stated): gnomAD exomes 0.00047 and 0.00127; ExAC 0.00166; 1000 Genomes Project 0.00519; gnomAD 0.00535 and 0.00565; 1000 Genomes Project 30x 0.00562; TOPMed 0.00562; ESP Exome Variant Server 0.00608.

Submissions (4):

Labcorp Genetics (formerly Invitae), Labcorp
Classification: Benign. Last evaluated: 2026-01-28. Review status: criteria provided, single submitter. Criteria: Invitae Variant Classification Sherloc (09022015). Collection method: clinical testing. Allele origin: germline.

Mayo Clinic Laboratories, Mayo Clinic
Classification: Benign. Last evaluated: 2025-04-23. Review status: criteria provided, single submitter. Criteria: ACMG Guidelines, 2015. Collection method: clinical testing. Allele origin: germline. Observed: 2 variant alleles.
Comment: BS1, BS2, BP4, BP7

Fulgent Genetics
Classification: Likely benign for Hydrocephalus, nonsyndromic, autosomal recessive 1; Spinocerebellar ataxia type 40. Last evaluated: 2022-04-07. Review status: criteria provided, single submitter. Criteria: ACMG Guidelines, 2015. Collection method: clinical testing. Allele origin: unknown.

Genetic Services Laboratory, University of Chicago
Classification: Benign. Last evaluated: 2019-01-07. Review status: criteria provided, single submitter. Criteria: ACMG Guidelines, 2015. Collection method: clinical testing. Allele origin: germline. Affected: no.

NM_001080414.4(CCDC88C):c.906G>A (p.Ala302=)

Gene: CCDC88C (coiled-coil and HOOK domain protein 88C; minus strand). Cytogenetic location: 14q32.11.
Variant type: single nucleotide variant.
Coding change: c.906G>A on transcript NM_001080414.4 (MANE Select); coding-DNA position 906, G replaced by A.
Protein change: p.Ala302=; no amino-acid change (alanine 302 retained).
Molecular consequence: synonymous variant.
Genome position (GRCh38, 1-based): chr14:91,338,149, C>T on the plus strand (G>A on the coding strand, the complement: CCDC88C is on the minus strand). VCF-style: chr14-91338149-C-T. GRCh37 (hg19) VCF-style: chr14-91804493-C-T.
Other names: p.Ala302=.
Identifiers: ClinVar variation 786622 (VCV000786622.15), dbSNP rs11851173, ClinGen allele CA7310059.